The following is an entry in ClinVar:

NM_001004334.4(GPR179):c.1210C>T (p.Arg404Cys)

Gene: GPR179 (G protein-coupled receptor 179; minus strand). Cytogenetic location: 17q12.
Variant type: single nucleotide variant.
Coding change: c.1210C>T on transcript NM_001004334.4 (MANE Select); coding-DNA position 1210, C replaced by T.
Protein change: p.Arg404Cys; replaces arginine 404 with cysteine.
Molecular consequence: missense variant.
Genome position (GRCh38, 1-based): chr17:38,336,995, G>A on the plus strand (C>T on the coding strand, the complement: GPR179 is on the minus strand). VCF-style: chr17-38336995-G-A. GRCh37 (hg19) VCF-style: chr17-36492878-G-A.
Other names: c.1210C>T (NM_001004334.3, NM_001004334.2); short protein forms R404C.
Identifiers: ClinVar variation 1168899 (VCV001168899.12), dbSNP rs147753316, ClinGen allele CA290109296.

ClinVar aggregate classification (germline): Conflicting classifications of pathogenicity. Review status: criteria provided, conflicting classifications (1 of 4 stars). 4 submissions from 4 submitters: Uncertain significance (1); Benign (1); Likely benign (2). Last evaluated 2026-05-29.

Conditions:
Inborn genetic diseases. Identifiers: MedGen C0950123, MeSH D030342.
GPR179-related disorder. Also called: GPR179-related condition.

Allele frequency attached by ClinVar (database versions not stated): gnomAD exomes 0.00055 and 0.00031; ExAC 0.00113; ESP Exome Variant Server 0.00023; gnomAD 0.00026 and 0.00029; TOPMed 0.00028; 1000 Genomes Project 0.00040; 1000 Genomes Project 30x 0.00047.

Submissions (4):

PreventionGenetics, part of Exact Sciences
Classification: Likely benign for GPR179-related condition. Last evaluated: 2026-05-29. Review status: criteria provided, single submitter. Criteria: ACMG Guidelines, 2015. Collection method: clinical testing. Allele origin: germline.
Comment: This variant is classified as likely benign based on ACMG/AMP sequence variant interpretation guidelines (Richards et al. 2015 PMID: 25741868, with internal and published modifications).

Labcorp Genetics (formerly Invitae), Labcorp
Classification: Benign. Last evaluated: 2025-09-19. Review status: criteria provided, single submitter. Criteria: Invitae Variant Classification Sherloc (09022015). Collection method: clinical testing. Allele origin: germline.

Blueprint Genetics
Classification: Likely benign. Last evaluated: 2024-10-23. Review status: criteria provided, single submitter. Criteria: ACMG Guidelines, 2015. Collection method: clinical testing. Allele origin: germline.

Ambry Genetics
Classification: Uncertain significance for Inborn genetic diseases. Last evaluated: 2023-12-17. Review status: criteria provided, single submitter. Criteria: Ambry Variant Classification Scheme 2023. Collection method: clinical testing. Allele origin: germline.